The following is an entry in ClinVar:

NM_006070.6(TFG):c.68G>A (p.Arg23Gln)

Gene: TFG (trafficking from ER to golgi regulator; plus strand). Cytogenetic location: 3q12.2.
Variant type: single nucleotide variant.
Coding change: c.68G>A on transcript NM_006070.6 (MANE Select); coding-DNA position 68, G replaced by A.
Protein change: p.Arg23Gln; replaces arginine 23 with glutamine.
Molecular consequence: missense variant.
Genome position (GRCh38, 1-based): chr3:100,713,753, G>A. VCF-style: chr3-100713753-G-A. GRCh37 (hg19) VCF-style: chr3-100432597-G-A.
Other names: c.68G>A, p.Arg23Gln (NM_001007565.2, NM_001195478.2, NM_001195479.2); short protein forms R23Q.
Identifiers: ClinVar variation 579063 (VCV000579063.13), dbSNP rs774808090, ClinGen allele CA2516959.

ClinVar aggregate classification (germline): Uncertain significance. Review status: criteria provided, multiple submitters, no conflicts (2 of 4 stars). 4 submissions from 4 submitters: Uncertain significance (2). 2 of the submissions do not count toward it. Last evaluated 2024-04-12.

Conditions:
Inborn genetic diseases. Identifiers: MedGen C0950123, MeSH D030342.
Hereditary spastic paraplegia 57. Also called: Spastic paraplegia 57, autosomal recessive. Identifiers: Orphanet 431329, MedGen C3714897, MONDO:0014295, OMIM 615658.
Hereditary motor and sensory neuropathy, Okinawa type (HMSNO). Also called: HEREDITARY MOTOR AND SENSORY NEUROPATHY, PROXIMAL TYPE. Identifiers: Orphanet 90117, MedGen C1858338, MONDO:0011468, OMIM 604484.

Allele frequency attached by ClinVar (database versions not stated): gnomAD exomes 0.00001; ExAC 0.00002; gnomAD 0.00003 and 0.00004; TOPMed 0.00005.
gnomAD v4.1: 27 of 1,610,546 alleles (0.0017%); highest among the groups gnomAD compares: Middle Eastern, 0.016%; 1 homozygote.

Submissions (4):

Labcorp Genetics (formerly Invitae), Labcorp
Classification: Uncertain significance for Hereditary motor and sensory neuropathy, Okinawa type; Hereditary spastic paraplegia 57. Last evaluated: 2024-04-12. Review status: criteria provided, single submitter. Criteria: Invitae Variant Classification Sherloc (09022015). Collection method: clinical testing. Allele origin: germline.
Comment: This sequence change replaces arginine, which is basic and polar, with glutamine, which is neutral and polar, at codon 23 of the TFG protein (p.Arg23Gln). This variant is present in population databases (rs774808090, gnomAD 0.01%). This missense change has been observed in individual(s) with Parkinson disease (PMID: 35642252). ClinVar contains an entry for this variant (Variation ID: 579063). Advanced modeling of protein sequence and biophysical properties (such as structural, functional, and spatial information, amino acid conservation, physicochemical variation, residue mobility, and thermodynamic stability) performed at Invitae indicates that this missense variant is expected to disrupt TFG protein function with a positive predictive value of 80%. In summary, the available evidence is currently insufficient to determine the role of this variant in disease. Therefore, it has been classified as a Variant of Uncertain Significance.

Ambry Genetics
Classification: Uncertain significance for Inborn genetic diseases. Last evaluated: 2020-02-05. Review status: criteria provided, single submitter. Criteria: Ambry Variant Classification Scheme 2023. Collection method: clinical testing. Allele origin: germline.
Comment: The p.R23Q variant (also known as c.68G>A), located in coding exon 1 of the TFG gene, results from a G to A substitution at nucleotide position 68. The arginine at codon 23 is replaced by glutamine, an amino acid with highly similar properties. This amino acid position is highly conserved in available vertebrate species. In addition, the in silico prediction for this alteration is inconclusive. Since supporting evidence is limited at this time, the clinical significance of this alteration remains unclear.

Clinical Genetics DNA and cytogenetics Diagnostics Lab, Erasmus MC, Erasmus Medical Center
Classification: Uncertain significance. Review status: no assertion criteria provided. Collection method: clinical testing. Allele origin: germline. Affected: yes. Study: VKGL Data-share Consensus. Not counted in ClinVar's aggregate classification.

Clinical Genetics, Academic Medical Center
Classification: Uncertain significance. Review status: no assertion criteria provided. Collection method: clinical testing. Allele origin: germline. Affected: yes. Study: VKGL Data-share Consensus. Not counted in ClinVar's aggregate classification.

Literature cited by the submitters: PubMed 35642252 (cited by Labcorp Genetics (formerly Invitae), Labcorp).